The following is an entry in ClinVar:

NM_001267550.2(TTN):c.104668dup (p.Val34890fs)

Genes: TTN (titin; minus strand), TTN-AS1 (TTN antisense RNA 1; plus strand). Cytogenetic location: 2q31.2.
Variant type: Duplication.
Coding change: c.104668dup on transcript NM_001267550.2 (MANE Select); coding-DNA position 104668, one base duplicated (G; older notation c.104668dupG).
Protein change: p.Val34890fs; shifts the reading frame from valine 34890.
Molecular consequence: frameshift variant.
Genome position (GRCh38, 1-based): chr2:178,531,947, C duplicated on the plus strand (G on the coding strand, the reverse complement: TTN is on the minus strand). VCF-style (leftmost placement, unchanged base first): chr2-178531946-A-AC. GRCh37 (hg19) VCF-style: chr2-179396673-A-AC.
Other names: c.99745dup, p.Val33249fs (NM_001256850.1); c.77473dup, p.Val25825fs (NM_003319.4); c.96964dup, p.Val32322fs (NM_133378.4); c.77848dup, p.Val25950fs (NM_133432.3); c.78049dup, p.Val26017fs (NM_133437.4); short protein forms V25950fs, V25825fs, V32322fs, V33249fs, V34890fs, V26017fs.
Identifiers: ClinVar variation 1491526 (VCV001491526.6), dbSNP rs2154133906, ClinGen allele CA2573134154.
Genomic context (GRCh38, chr2:178,531,946, plus strand): 5'-CTGGAAAAGATATCAAATCTTGCAGACCTCTCAAATCTCGAGAGTGATCTCTCACTAGAC[A>AC]CAGGGCTGGGGGATCGTGGGCGAGTTCTCTCTGGAGTAGGTGACCTTCTTTCTGTGTCAT-3'

ClinVar aggregate classification (germline): Likely pathogenic (1 of 4 stars; one submission).

Conditions:
Dilated cardiomyopathy 1G (CMD1G). Identifiers: Orphanet 154, MedGen C1858763, MONDO:0011400, OMIM 604145.
Autosomal recessive limb-girdle muscular dystrophy type 2J (LGMDR10). Also called: Limb-girdle muscular dystrophy, type 2J; MUSCULAR DYSTROPHY, LIMB-GIRDLE, AUTOSOMAL RECESSIVE 10. Identifiers: Orphanet 140922, MedGen C1837342, MONDO:0012127, OMIM 608807.

Submission:

Labcorp Genetics (formerly Invitae), Labcorp
Classification: Likely pathogenic for Dilated cardiomyopathy 1G; Autosomal recessive limb-girdle muscular dystrophy type 2J. Last evaluated: 2023-12-06. Review status: criteria provided, single submitter. Criteria: Invitae Variant Classification Sherloc (09022015). Collection method: clinical testing. Allele origin: germline.
Comment: This sequence change creates a premature translational stop signal (p.Val34890Glyfs*3) in the TTN gene. While this is not anticipated to result in nonsense mediated decay, it is expected to create a truncated TTN protein. This variant is not present in population databases (gnomAD no frequency). This variant has not been reported in the literature in individuals affected with TTN-related conditions. ClinVar contains an entry for this variant (Variation ID: 1491526). This variant is located in the M band of TTN (PMID: 25589632). Truncating variants in this region have been previously reported in individuals affected with autosomal recessive myopathy and muscular dystrophy (PMID: 18948003, 23975875, 24395473). Truncating variants in this region have also been identified in individuals affected with autosomal dominant dilated cardiomyopathy and/or cardio-related conditions (PMID: 27869827, 32964742). In summary, the currently available evidence indicates that the variant is pathogenic, but additional data are needed to prove that conclusively. Therefore, this variant has been classified as Likely Pathogenic.

Literature cited by the submitters: PubMed 25589632; PubMed 18948003; PubMed 23975875; PubMed 24395473; PubMed 27869827; PubMed 32964742.